The following is an entry in ClinVar:

NM_004655.4(AXIN2):c.1235A>C (p.Asn412Thr)

Gene: AXIN2 (axin 2; minus strand). Cytogenetic location: 17q24.1.
Variant type: single nucleotide variant.
Coding change: c.1235A>C on transcript NM_004655.4 (MANE Select); coding-DNA position 1235, A replaced by C.
Protein change: p.Asn412Thr; replaces asparagine 412 with threonine.
Molecular consequence: missense variant.
Genome position (GRCh38, 1-based): chr17:65,537,801, T>G on the plus strand (A>C on the coding strand, the complement: AXIN2 is on the minus strand). VCF-style: chr17-65537801-T-G. GRCh37 (hg19) VCF-style: chr17-63533919-T-G.
Other names: p.N412T:AAT>ACT; c.1235A>C (LRG_296t1); c.1235A>C, p.Asn412Thr (NM_001363813.1); short protein forms N412T.
Identifiers: ClinVar variation 127935 (VCV000127935.26), dbSNP rs115931022, ClinGen allele CA288080.

ClinVar aggregate classification (germline): Conflicting classifications of pathogenicity. Review status: criteria provided, conflicting classifications (1 of 4 stars). 6 submissions from 6 submitters: Uncertain significance (4); Likely benign (1). 1 of the submissions does not count toward it. Last evaluated 2026-01-05.

Conditions:
Hereditary cancer-predisposing syndrome. Also called: Hereditary neoplastic syndrome; Neoplastic Syndromes, Hereditary; Hereditary Cancer Syndrome; Tumor predisposition. Identifiers: Orphanet 140162, MedGen C0027672, MeSH D009386, MONDO:0015356.
Oligodontia-cancer predisposition syndrome. Also called: TOOTH AGENESIS-COLORECTAL CANCER SYNDROME. Identifiers: Orphanet 300576, MedGen C1837750, MONDO:0012075, OMIM 608615. Disease mechanism: loss of function.

Allele frequency attached by ClinVar (database versions not stated): TOPMed 0.00003.
gnomAD v4.1: 33 of 1,586,662 alleles (0.0021%); highest among the groups gnomAD compares: Non-Finnish European, 0.0028%; no homozygotes.

Submissions (6):

Labcorp Genetics (formerly Invitae), Labcorp
Classification: Uncertain significance for Oligodontia-cancer predisposition syndrome. Last evaluated: 2026-01-05. Review status: criteria provided, single submitter. Criteria: Invitae Variant Classification Sherloc (09022015). Collection method: clinical testing. Allele origin: germline.
Comment: This sequence change replaces asparagine, which is neutral and polar, with threonine, which is neutral and polar, at codon 412 of the AXIN2 protein (p.Asn412Thr). This variant is present in population databases (rs115931022, gnomAD 0.007%). This variant has not been reported in the literature in individuals affected with AXIN2-related conditions. ClinVar contains an entry for this variant (Variation ID: 127935). An algorithm developed to predict the effect of missense changes on protein structure and function outputs the following: PolyPhen-2: "Benign". The threonine amino acid residue is found in multiple mammalian species, which suggests that this missense change does not adversely affect protein function. In summary, the available evidence is currently insufficient to determine the role of this variant in disease. Therefore, it has been classified as a Variant of Uncertain Significance.

Quest Diagnostics Nichols Institute San Juan Capistrano
Classification: Uncertain significance. Last evaluated: 2024-12-13. Review status: criteria provided, single submitter. Criteria: Quest Diagnostics criteria. Collection method: clinical testing. Allele origin: unknown.
Comment: The AXIN2 c.1235A>C (p.Asn412Thr) variant has not been reported in individuals with AXIN2-related conditions in the published literature. The frequency of this variant in the general population (Genome Aggregation Database) is uninformative in the assessment of its pathogenicity. Analysis of this variant using bioinformatics tools for the prediction of the effect of amino acid changes on protein structure and function yielded predictions that this variant is benign. Based on the available information, we are unable to determine the clinical significance of this variant.

Ambry Genetics
Classification: Likely benign for Hereditary cancer-predisposing syndrome. Last evaluated: 2024-04-09. Review status: criteria provided, single submitter. Criteria: Ambry Variant Classification Scheme 2023. Collection method: clinical testing. Allele origin: germline.

GeneDx
Classification: Uncertain significance. Last evaluated: 2024-03-04. Review status: criteria provided, single submitter. Criteria: GeneDx Variant Classification Process June 2021. Collection method: clinical testing. Allele origin: germline. Affected: yes.
Comment: Not observed at significant frequency in large population cohorts (gnomAD); In silico analysis supports that this missense variant does not alter protein structure/function; Has not been previously published as pathogenic or benign to our knowledge; This variant is associated with the following publications: (PMID: 15735151)

Illumina Laboratory Services, Illumina
Classification: Uncertain significance for Oligodontia-cancer predisposition syndrome. Last evaluated: 2018-01-13. Review status: criteria provided, single submitter. Criteria: ICSL Variant Classification Criteria 13 December 2019. Collection method: clinical testing. Allele origin: germline.

Mayo Clinic Laboratories, Mayo Clinic
Classification: Uncertain significance. Review status: no assertion criteria provided. Collection method: clinical testing. Allele origin: unknown. Not counted in ClinVar's aggregate classification.